The following is an entry in ClinVar:

NM_000258.3(MYL3):c.391G>A (p.Glu131Lys)

Gene: MYL3 (myosin light chain 3; minus strand). Cytogenetic location: 3p21.31.
Variant type: single nucleotide variant.
Coding change: c.391G>A on transcript NM_000258.3 (MANE Select); coding-DNA position 391, G replaced by A.
Protein change: p.Glu131Lys; replaces glutamic acid 131 with lysine.
Molecular consequence: missense variant.
Genome position (GRCh38, 1-based): chr3:46,859,565, C>T on the plus strand (G>A on the coding strand, the complement: MYL3 is on the minus strand). VCF-style: chr3-46859565-C-T. GRCh37 (hg19) VCF-style: chr3-46901055-C-T.
Other names: c.391G>A, p.Glu131Lys (NM_001406937.1, NM_001406938.1, NM_001406939.1); c.217G>A, p.Glu73Lys (NM_001406940.1, NM_001406941.1); short protein forms E73K, E131K.
Identifiers: ClinVar variation 3915729 (VCV003915729.1).

ClinVar aggregate classification (germline): Uncertain significance (1 of 4 stars; one submission).

Conditions:
Cardiovascular phenotype. Identifiers: MedGen CN230736.

Submission:

Ambry Genetics
Classification: Uncertain significance for Cardiovascular phenotype. Last evaluated: 2025-05-27. Review status: criteria provided, single submitter. Criteria: Ambry Variant Classification Scheme 2023. Collection method: clinical testing. Allele origin: germline.
Comment: The p.E131K variant (also known as c.391G>A), located in coding exon 4 of the MYL3 gene, results from a G to A substitution at nucleotide position 391. The glutamic acid at codon 131 is replaced by lysine, an amino acid with similar properties. This amino acid position is conserved. In addition, this alteration is predicted to be deleterious by in silico analysis. Based on the available evidence, the clinical significance of this variant remains unclear.